The following is an entry in ClinVar:

NM_001348716.2(KDM6B):c.2669C>T (p.Pro890Leu)

Gene: KDM6B (lysine demethylase 6B; plus strand). Cytogenetic location: 17p13.1.
Variant type: single nucleotide variant.
Coding change: c.2669C>T on transcript NM_001348716.2 (MANE Select); coding-DNA position 2669, C replaced by T.
Protein change: p.Pro890Leu; replaces proline 890 with leucine.
Molecular consequence: missense variant.
Genome position (GRCh38, 1-based): chr17:7,848,957, C>T. VCF-style: chr17-7848957-C-T. GRCh37 (hg19) VCF-style: chr17-7752275-C-T.
Other names: c.2669C>T, p.Pro890Leu (NM_001080424.2); short protein forms P890L.
Identifiers: ClinVar variation 2647407 (VCV002647407.24), dbSNP rs528881783, ClinGen allele CA8360970.

ClinVar aggregate classification (germline): Likely benign (1 of 4 stars; one submission).

Allele frequency attached by ClinVar (database versions not stated): 1000 Genomes Project 30x 0.00016; ExAC 0.00018; 1000 Genomes Project 0.00020; TOPMed 0.00022; gnomAD 0.00023.
gnomAD v4.1: 103 of 1,583,968 alleles (0.0065%); highest among the groups gnomAD compares: East Asian, 0.068%; no homozygotes.

Submission:

CeGaT Center for Human Genetics Tuebingen
Classification: Likely benign. Last evaluated: 2023-03-01. Review status: criteria provided, single submitter. Criteria: CeGaT Center For Human Genetics Tuebingen Variant Classification Criteria Version 2. Collection method: clinical testing. Allele origin: germline. Affected: yes. Observed: 1 variant allele.
Comment: KDM6B: BS2